The following is an entry in ClinVar:

ClinVar aggregate classification (germline): Likely pathogenic (0 of 4 stars; one submission).

Conditions:
Seizures, benign familial neonatal, 1. Also called: KCNQ2-Related Benign Familial Neonatal Epilepsy; KCNQ2-Related Self-Limited Familial Neonatal Epilepsy (SLFNE); Seizures, benign neonatal, 1; Benign Neonatal Epilepsy 1. Identifiers: Orphanet 1949, MedGen C3149074, MONDO:0007365, OMIM 121200.

Submission:

Cytogénomique, Hospices Civils de Lyon
Classification: Likely pathogenic for Seizures, benign familial neonatal, 1. Last evaluated: 2021-07-16. Review status: no assertion criteria provided. Collection method: clinical testing. Allele origin: maternal. Inheritance: Autosomal dominant inheritance. Affected: yes.
Comment: We have found this variant in two unrelated patients with BFNE.

NM_172107.4(KCNQ2):c.955A>G (p.Lys319Glu)

Gene: KCNQ2 (potassium voltage-gated channel subfamily Q member 2; minus strand). Cytogenetic location: 20q13.33.
Variant type: single nucleotide variant.
Coding change: c.955A>G on transcript NM_172107.4 (MANE Select); coding-DNA position 955, A replaced by G.
Protein change: p.Lys319Glu; replaces lysine 319 with glutamic acid.
Molecular consequence: missense variant.
Genome position (GRCh38, 1-based): chr20:63,438,693, T>C on the plus strand (A>G on the coding strand, the complement: KCNQ2 is on the minus strand). VCF-style: chr20-63438693-T-C. GRCh37 (hg19) VCF-style: chr20-62070046-T-C.
Other names: c.955A>G, p.Lys319Glu (NM_001382235.1, NM_004518.6, NM_172106.3 and 2 more transcripts); short protein forms K319E.
Identifiers: ClinVar variation 1077102 (VCV001077102.4), dbSNP rs2145712576, ClinGen allele CA409652269.